The following is an entry in ClinVar:

ClinVar aggregate classification (germline): Conflicting classifications of pathogenicity. Review status: criteria provided, conflicting classifications (1 of 4 stars). 3 submissions from 3 submitters: Uncertain significance (2); Likely benign (1). Last evaluated 2025-04-07.

Conditions:
Hereditary cancer-predisposing syndrome. Also called: Hereditary neoplastic syndrome; Neoplastic Syndromes, Hereditary; Tumor predisposition; Hereditary Cancer Syndrome. Identifiers: Orphanet 140162, MedGen C0027672, MeSH D009386, MONDO:0015356.
Microcephaly, normal intelligence and immunodeficiency (NBS). Also called: IMMUNODEFICIENCY, MICROCEPHALY, AND CHROMOSOMAL INSTABILITY; SEEMANOVA SYNDROME II; Nijmegen breakage syndrome; Microcephaly with normal intelligence immunodeficiency and lymphoreticular malignancies; Nonsyndromal microcephaly autosomal recessive with normal intelligence; Seemanova syndrome 2. Identifiers: Orphanet 647, MedGen C0398791, MONDO:0009623, OMIM 251260.

Allele frequency attached by ClinVar (database versions not stated): gnomAD exomes below 0.00001.
gnomAD v4.1: 2 of 1,613,908 alleles (0.00012%); highest among the groups gnomAD compares: East Asian, 0.0022%; no homozygotes.

Submissions (3):

Labcorp Genetics (formerly Invitae), Labcorp
Classification: Uncertain significance for Microcephaly, normal intelligence and immunodeficiency. Last evaluated: 2025-04-07. Review status: criteria provided, single submitter. Criteria: Invitae Variant Classification Sherloc (09022015). Collection method: clinical testing. Allele origin: germline.
Comment: This sequence change replaces lysine, which is basic and polar, with arginine, which is basic and polar, at codon 423 of the NBN protein (p.Lys423Arg). This variant is present in population databases (no rsID available, gnomAD 0.0009%). This variant has not been reported in the literature in individuals affected with NBN-related conditions. ClinVar contains an entry for this variant (Variation ID: 483975). An algorithm developed to predict the effect of missense changes on protein structure and function outputs the following: PolyPhen-2: "Benign". The arginine amino acid residue is found in multiple mammalian species, which suggests that this missense change does not adversely affect protein function. In summary, the available evidence is currently insufficient to determine the role of this variant in disease. Therefore, it has been classified as a Variant of Uncertain Significance.

Genome-Nilou Lab
Classification: Uncertain significance for Microcephaly, normal intelligence and immunodeficiency. Last evaluated: 2021-11-07. Review status: criteria provided, single submitter. Criteria: ACMG Guidelines, 2015. Collection method: clinical testing. Allele origin: germline. Affected: no.

Ambry Genetics
Classification: Likely benign for Hereditary cancer-predisposing syndrome. Last evaluated: 2016-10-11. Review status: criteria provided, single submitter. Criteria: Ambry Variant Classification Scheme 2023. Collection method: clinical testing. Allele origin: germline.

NM_002485.5(NBN):c.1268A>G (p.Lys423Arg)

Gene: NBN (nibrin; minus strand). Cytogenetic location: 8q21.3.
Variant type: single nucleotide variant.
Coding change: c.1268A>G on transcript NM_002485.5 (MANE Select); coding-DNA position 1268, A replaced by G.
Protein change: p.Lys423Arg; replaces lysine 423 with arginine.
Molecular consequence: missense variant.
Genome position (GRCh38, 1-based): chr8:89,955,412, T>C on the plus strand (A>G on the coding strand, the complement: NBN is on the minus strand). VCF-style: chr8-89955412-T-C. GRCh37 (hg19) VCF-style: chr8-90967640-T-C.
Other names: c.1022A>G, p.Lys341Arg (NM_001024688.3); short protein forms K423R, K341R.
Identifiers: ClinVar variation 483975 (VCV000483975.21), dbSNP rs1444306607, ClinGen allele CA371656233.